The following is an entry in ClinVar:

ClinVar aggregate classification (germline): Uncertain significance (1 of 4 stars; one submission).

Allele frequency attached by ClinVar (database versions not stated): gnomAD 0.00001; gnomAD exomes 0.00004 and 0.00006; ExAC 0.00005; TOPMed 0.00006.
gnomAD v4.1: 62 of 1,612,722 alleles (0.0038%); highest among the groups gnomAD compares: Non-Finnish European, 0.00059%; no homozygotes.

Submission:

Labcorp Genetics (formerly Invitae), Labcorp
Classification: Uncertain significance. Last evaluated: 2023-11-28. Review status: criteria provided, single submitter. Criteria: Invitae Variant Classification Sherloc (09022015). Collection method: clinical testing. Allele origin: germline.
Comment: This sequence change replaces valine, which is neutral and non-polar, with leucine, which is neutral and non-polar, at codon 436 of the GUCY2C protein (p.Val436Leu). This variant is present in population databases (rs753982693, gnomAD 0.1%). This variant has not been reported in the literature in individuals affected with GUCY2C-related conditions. ClinVar contains an entry for this variant (Variation ID: 1409411). Advanced modeling of protein sequence and biophysical properties (such as structural, functional, and spatial information, amino acid conservation, physicochemical variation, residue mobility, and thermodynamic stability) performed at Invitae indicates that this missense variant is not expected to disrupt GUCY2C protein function with a negative predictive value of 80%. In summary, the available evidence is currently insufficient to determine the role of this variant in disease. Therefore, it has been classified as a Variant of Uncertain Significance.

NM_004963.4(GUCY2C):c.1306G>C (p.Val436Leu)

Gene: GUCY2C (guanylate cyclase 2C; minus strand). Cytogenetic location: 12p12.3.
Variant type: single nucleotide variant.
Coding change: c.1306G>C on transcript NM_004963.4 (MANE Select); coding-DNA position 1306, G replaced by C.
Protein change: p.Val436Leu; replaces valine 436 with leucine.
Molecular consequence: missense variant.
Genome position (GRCh38, 1-based): chr12:14,661,039, C>G on the plus strand (G>C on the coding strand, the complement: GUCY2C is on the minus strand). VCF-style: chr12-14661039-C-G. GRCh37 (hg19) VCF-style: chr12-14813973-C-G.
Other names: short protein forms V436L.
Identifiers: ClinVar variation 1409411 (VCV001409411.8), dbSNP rs753982693, ClinGen allele CA6463461.
Genomic context (GRCh38, chr12:14,661,039, plus strand): 5'-ACCTGAGCATCAGGAGAGCGACGAGCAGGAGCAGCACCACAGCTCCAGTGAGGGTGAAGA[C>G]TGCAATCATCAGGATCTGAGGGCCTGTGGCGGAAAATGCGTTAGGAAGGACCTTAGACAA-3'
Protein context (NP_004954.2, residues 426-446): GRGPQILMIA[Val436Leu]FTLTGAVVLL